The following is an entry in ClinVar:

NM_177438.3(DICER1):c.4770G>A (p.Val1590=)

Gene: DICER1 (dicer 1, ribonuclease III; minus strand). Cytogenetic location: 14q32.13.
Variant type: single nucleotide variant.
Coding change: c.4770G>A on transcript NM_177438.3 (MANE Select); coding-DNA position 4770, G replaced by A.
Protein change: p.Val1590=; no amino-acid change (valine 1590 retained).
Molecular consequence: synonymous variant.
Genome position (GRCh38, 1-based): chr14:95,096,150, C>T on the plus strand (G>A on the coding strand, the complement: DICER1 is on the minus strand). VCF-style: chr14-95096150-C-T. GRCh37 (hg19) VCF-style: chr14-95562487-C-T.
Other names: c.4770G>A, p.Val1590= (NM_001195573.1, NM_001271282.3, NM_001291628.2 and 1 more transcripts).
Identifiers: ClinVar variation 703382 (VCV000703382.12), dbSNP rs774875481, ClinGen allele CA7330802.
Genomic context (GRCh38, chr14:95,096,150, plus strand): 5'-GAAATTCTCCCGAGTAGGGCACAGGGCCTTTTCCCGATCAGTCCTTTTAATTACCGGGAG[C>T]ACCTTCAGCCCCAGTGAACAGAGGAAAAGCTGAGCAGCCCTCTCCCCACAGCTGGTTAAA-3'
Protein context (NP_803187.1, residues 1580-1600): QLFLCSLGLK[Val1590=]LPVIKRTDRE

ClinVar aggregate classification (germline): Conflicting classifications of pathogenicity. Review status: criteria provided, conflicting classifications (1 of 4 stars). 4 submissions from 4 submitters: Uncertain significance (1); Benign (1); Likely benign (2). Last evaluated 2026-04-20.

Conditions:
DICER1-related tumor predisposition. Also called: DICER1-related pleuropulmonary blastoma cancer predisposition syndrome; DICER1 syndrome. Identifiers: Orphanet 284343, MedGen C3839822, MONDO:0100216.
Hereditary cancer-predisposing syndrome. Also called: Hereditary Cancer Syndrome; Hereditary neoplastic syndrome; Neoplastic Syndromes, Hereditary; Tumor predisposition. Identifiers: Orphanet 140162, MedGen C0027672, MeSH D009386, MONDO:0015356.

Allele frequency attached by ClinVar (database versions not stated): TOPMed below 0.00001; gnomAD exomes 0.00001.
gnomAD v4.1: 8 of 1,614,212 alleles (0.0005%); highest among the groups gnomAD compares: Admixed American, 0.012%; no homozygotes.

Submissions (4):

Myriad Genetics, Inc.
Classification: Benign for DICER1-related tumor predisposition. Last evaluated: 2026-04-20. Review status: criteria provided, single submitter. Criteria: Myriad Autosomal Dominant, Autosomal Recessive and X-Linked Classification Criteria (2023). Collection method: clinical testing. Allele origin: unknown.
Comment: This variant is considered benign. This variant is a silent/synonymous amino acid change and it is not expected to impact splicing.

Labcorp Genetics (formerly Invitae), Labcorp
Classification: Likely benign for DICER1-related tumor predisposition. Last evaluated: 2025-11-14. Review status: criteria provided, single submitter. Criteria: Invitae Variant Classification Sherloc (09022015). Collection method: clinical testing. Allele origin: germline.

Ambry Genetics
Classification: Likely benign for Hereditary cancer-predisposing syndrome. Last evaluated: 2024-05-29. Review status: criteria provided, single submitter. Criteria: Ambry Variant Classification Scheme 2023. Collection method: clinical testing. Allele origin: germline.

Quest Diagnostics Nichols Institute San Juan Capistrano
Classification: Uncertain significance. Last evaluated: 2023-06-23. Review status: criteria provided, single submitter. Criteria: Quest Diagnostics criteria. Collection method: clinical testing. Allele origin: unknown.
Comment: To the best of our knowledge, this variant has not been reported in the published literature. The frequency of this variant in the general population, 0.0002 (7/34586 chromosomes (Genome Aggregation Database)), is uninformative in the assessment of its pathogenicity. Analysis of this variant using software algorithms for the prediction of the effect of nucleotide changes on DICER1 mRNA splicing yielded predictions that this variant may result in the gain of a cryptic splice site without affecting the natural splice sites . Based on the available information, we are unable to determine the clinical significance of this variant.